The following is an entry in ClinVar:

NM_015335.5(MED13L):c.1226C>T (p.Pro409Leu)

Gene: MED13L (mediator complex subunit 13L; minus strand). Cytogenetic location: 12q24.21.
Variant type: single nucleotide variant.
Coding change: c.1226C>T on transcript NM_015335.5 (MANE Select); coding-DNA position 1226, C replaced by T.
Protein change: p.Pro409Leu; replaces proline 409 with leucine.
Molecular consequence: missense variant.
Genome position (GRCh38, 1-based): chr12:116,012,851, G>A on the plus strand (C>T on the coding strand, the complement: MED13L is on the minus strand). VCF-style: chr12-116012851-G-A. GRCh37 (hg19) VCF-style: chr12-116450656-G-A.
Other names: short protein forms P409L.
Identifiers: ClinVar variation 2662607 (VCV002662607.1), dbSNP rs2499924848, ClinGen allele CA386898288.

ClinVar aggregate classification (germline): Uncertain significance (1 of 4 stars; one submission).

Submission:

GeneDx
Classification: Uncertain significance. Last evaluated: 2023-05-18. Review status: criteria provided, single submitter. Criteria: GeneDx Variant Classification Process June 2021. Collection method: clinical testing. Allele origin: germline. Affected: yes.
Comment: Not observed at significant frequency in large population cohorts (gnomAD); In silico analysis supports that this missense variant does not alter protein structure/function; Has not been previously published as pathogenic or benign to our knowledge